The following is an entry in ClinVar:

ClinVar aggregate classification (germline): Conflicting classifications of pathogenicity. Review status: criteria provided, conflicting classifications (1 of 4 stars). 17 submissions from 15 submitters: Uncertain significance (11); Likely benign (3). 3 of the submissions do not count toward it. Last evaluated 2026-02-01.

Conditions:
RPGRIP1L-related disorder. Also called: RPGRIP1L-related condition; RPGRIP1L-related disorders. Identifiers: MedGen CN239416.
Inborn genetic diseases. Identifiers: MedGen C0950123, MeSH D030342.
Optic atrophy. Identifiers: MedGen C0029124, MONDO:0003608, HP:0000648.
Joubert syndrome. Also called: JOUBERT-BOLTSHAUSER SYNDROME; Familial aplasia of the vermis. Identifiers: Orphanet 475, MedGen C5979921, MONDO:0018772.
Meckel-Gruber syndrome. Also called: Dysencephalia splachnocystica; DYSENCEPHALIA SPLANCHNOCYSTICA; GRUBER SYNDROME. Identifiers: Orphanet 564, MedGen C0265215, MONDO:0018921.
COACH syndrome 1. Identifiers: Orphanet 1454, MedGen C5435651, MONDO:0800103, OMIM 216360, MONDO:0008996.
Meckel syndrome, type 5 (MKS5). Identifiers: Orphanet 564, MedGen C1969052, MONDO:0012695, OMIM 611561.
Joubert syndrome 7 (JBTS7). Identifiers: Orphanet 220497, MedGen C1969053, MONDO:0012694, OMIM 611560.
Nephronophthisis 8. Identifiers: MedGen CN119610.

Allele frequency attached by ClinVar (database versions not stated): 1000 Genomes Project 30x 0.00031; 1000 Genomes Project 0.00040; ExAC 0.00078; ESP Exome Variant Server 0.00085; gnomAD exomes 0.00085 and 0.00120; gnomAD 0.00094 and 0.00097; TOPMed 0.00122.
gnomAD v4.1: 1,897 of 1,613,608 alleles (0.12%); highest among the groups gnomAD compares: Admixed American, 0.19%; 3 homozygotes.

Submissions (17):

CeGaT Center for Human Genetics Tuebingen
Classification: Uncertain significance. Last evaluated: 2026-02-01. Review status: criteria provided, single submitter. Criteria: CeGaT Center For Human Genetics Tuebingen Variant Classification Criteria Version 2. Collection method: clinical testing. Allele origin: germline. Affected: yes. Observed: 3 variant alleles.

Labcorp Genetics (formerly Invitae), Labcorp
Classification: Likely benign for Joubert syndrome; Meckel-Gruber syndrome. Last evaluated: 2026-01-26. Review status: criteria provided, single submitter. Criteria: Invitae Variant Classification Sherloc (09022015). Collection method: clinical testing. Allele origin: germline.

Mayo Clinic Laboratories, Mayo Clinic
Classification: Uncertain significance. Last evaluated: 2025-06-24. Review status: criteria provided, single submitter. Criteria: ACMG Guidelines, 2015. Collection method: clinical testing. Allele origin: germline. Observed: 2 variant alleles.
Comment: BS1

Blueprint Genetics
Classification: Likely benign. Last evaluated: 2024-11-06. Review status: criteria provided, single submitter. Criteria: ACMG Guidelines, 2015. Collection method: clinical testing. Allele origin: germline.

Genetic Services Laboratory, University of Chicago
Classification: Uncertain significance. Last evaluated: 2024-05-28. Review status: criteria provided, single submitter. Criteria: ACMG Guidelines, 2015. Collection method: clinical testing. Allele origin: germline. Affected: no.
Comment: DNA sequence analysis of the RPGRIP1L gene demonstrated a sequence change, c.1156A>G, in exon 10 that results in an amino acid change, p.Lys386Glu. This sequence change has been described in the gnomAD database with a frequency of 0.12% in the non-Finnish European subpopulation (dbSNP rs137982921). The p.Lys386Glu change affects a highly conserved amino acid residue located in a domain of the RPGRIP1L protein that is not known to be functional. In-silico pathogenicity prediction tools (SIFT, PolyPhen2, Align GVGD, REVEL) provide contradictory results for the p.Lys386Glu substitution. This sequence change has been previously described in an individual with Joubert syndrome, but no other variants in RPGRIP1L were identified (PMID: 23188109). This sequence change has also been reported in an individual with a clinical diagnosis of blindness (PMID: 32483926). Due to insufficient evidences and the lack of functional studies, the clinical significance of the p.Lys386Glu change remains unknown at this time.

Institute of Human Genetics, Univ. Regensburg, Univ. Regensburg
Classification: Uncertain significance for Optic atrophy. Last evaluated: 2023-01-01. Review status: criteria provided, single submitter. Criteria: ACMG Guidelines, 2015. Collection method: clinical testing. Allele origin: germline. Affected: yes.

Ambry Genetics
Classification: Likely benign for Inborn genetic diseases. Last evaluated: 2022-08-17. Review status: criteria provided, single submitter. Criteria: Ambry Variant Classification Scheme 2023. Collection method: clinical testing. Allele origin: germline.

Fulgent Genetics
Classification: Uncertain significance for COACH syndrome 1; Joubert syndrome 7; Meckel syndrome, type 5. Last evaluated: 2018-10-31. Review status: criteria provided, single submitter. Criteria: ACMG Guidelines, 2015. Collection method: clinical testing. Allele origin: unknown.

GeneDx
Classification: Uncertain significance. Last evaluated: 2018-08-29. Review status: criteria provided, single submitter. Criteria: GeneDx Variant Classification (06012015). Collection method: clinical testing. Allele origin: germline. Affected: yes.
Comment: The K386E variant in the RPGRIP1L gene has not been reported previously as a pathogenic variant, nor as a benign variant, to our knowledge. Although not present in the homozygous state, the K386E variant is observed in 82/66610 (0.23%) alleles from individuals of non-Finnish European background, in the ExAC dataset (Lek et al., 2016). The K386E variant is a non-conservative amino acid substitution, which is likely to impact secondary protein structure as these residues differ in polarity, charge, size and/or other properties. This substitution occurs at a position where amino acids with similar properties to Lysine are tolerated across species. In silico analysis is inconsistent in its predictions as to whether or not the variant is damaging to the protein structure/function. We interpret K386E as a variant of uncertain significance.

Illumina Laboratory Services, Illumina
Classification: Uncertain significance for Meckel syndrome, type 5. Last evaluated: 2018-01-12. Review status: criteria provided, single submitter. Criteria: ICSL Variant Classification Criteria 13 December 2019. Collection method: clinical testing. Allele origin: germline.

Illumina Laboratory Services, Illumina
Classification: Uncertain significance for Joubert syndrome 7. Last evaluated: 2018-01-12. Review status: criteria provided, single submitter. Criteria: ICSL Variant Classification Criteria 13 December 2019. Collection method: clinical testing. Allele origin: germline.

Illumina Laboratory Services, Illumina
Classification: Uncertain significance for Nephronophthisis 8. Last evaluated: 2018-01-12. Review status: criteria provided, single submitter. Criteria: ICSL Variant Classification Criteria 13 December 2019. Collection method: clinical testing. Allele origin: germline.

Eurofins Ntd Llc (ga)
Classification: Uncertain significance. Last evaluated: 2015-04-30. Review status: criteria provided, single submitter. Criteria: EGL Classification Definitions 2015. Collection method: clinical testing. Allele origin: germline. Observed: 1 variant allele, 1 heterozygote.

Breakthrough Genomics
Classification: Uncertain significance. Review status: criteria provided, single submitter. Criteria: ACMG Guidelines, 2015. Collection method: not provided. Allele origin: germline. Inheritance: Autosomal recessive inheritance. Affected: yes.

PreventionGenetics, part of Exact Sciences
Classification: Likely benign for RPGRIP1L-related condition. Last evaluated: 2022-02-04. Review status: no assertion criteria provided. Collection method: clinical testing. Allele origin: germline. Not counted in ClinVar's aggregate classification.
Comment: This variant is classified as likely benign based on ACMG/AMP sequence variant interpretation guidelines (Richards et al. 2015 PMID: 25741868, with internal and published modifications).

Natera, Inc.
Classification: Uncertain significance for Joubert syndrome. Last evaluated: 2020-04-24. Review status: no assertion criteria provided. Collection method: clinical testing. Allele origin: germline. Not counted in ClinVar's aggregate classification.

Department of Pathology and Laboratory Medicine, Sinai Health System
Classification: Uncertain significance. Review status: no assertion criteria provided. Collection method: clinical testing. Allele origin: unknown. Affected: yes. Study: The Canadian Open Genetics Repository (COGR). Not counted in ClinVar's aggregate classification.
Comment: The RPGRIP1L p.Lys386Glu variant was identified in 1 of 384 proband chromosomes (Frequency: 0.0026) from individuals with nephronophthisis-associated ciliopathy (Halbritter_2012_PMID:23188109). The variant was identified in dbSNP (ID: rs137982921) and ClinVar (classified as uncertain significance by Invitae, EGL Genetic Diagnostics, Fulgent Genetics, GeneDx, and Illumina). The variant was identified in control databases in 228 of 282020 chromosomes at a frequency of 0.0008085 increasing the likelihood this could be a low frequency benign variant (Genome Aggregation Database March 6, 2019, v2.1.1). The variant was observed in the following populations: Latino in 54 of 35376 chromosomes (freq: 0.001526), Other in 10 of 7194 chromosomes (freq: 0.00139), European (non-Finnish) in 158 of 128734 chromosomes (freq: 0.001227), Ashkenazi Jewish in 2 of 10354 chromosomes (freq: 0.000193), European (Finnish) in 2 of 24848 chromosomes (freq: 0.00008) and African in 2 of 24964 chromosomes (freq: 0.00008), but was not observed in the East Asian or South Asian populations. The p.Lys386 residue is conserved in mammals and computational analyses (PolyPhen-2, SIFT, AlignGVGD, BLOSUM, MutationTaster) provide inconsistent predictions regarding the impact to the protein; this information is not very predictive of pathogenicity. The variant occurs outside of the splicing consensus sequence and in silico or computational prediction software programs (SpliceSiteFinder, MaxEntScan, NNSPLICE, GeneSplicer) do not predict a difference in splicing. In summary, based on the above information the clinical significance of this variant cannot be determined with certainty at this time. This variant is classified as a variant of uncertain significance.

Literature cited by the submitters: PubMed 23188109 (cited by Mayo Clinic Laboratories, Mayo Clinic); PubMed 32483926 (cited by Mayo Clinic Laboratories, Mayo Clinic and Institute of Human Genetics, Univ. Regensburg, Univ. Regensburg).

NM_015272.5(RPGRIP1L):c.1156A>G (p.Lys386Glu)

Gene: RPGRIP1L (RPGRIP1 like; minus strand). Cytogenetic location: 16q12.2.
Variant type: single nucleotide variant.
Coding change: c.1156A>G on transcript NM_015272.5 (MANE Select); coding-DNA position 1156, A replaced by G.
Protein change: p.Lys386Glu; replaces lysine 386 with glutamic acid.
Molecular consequence: missense variant.
Genome position (GRCh38, 1-based): chr16:53,664,957, T>C on the plus strand (A>G on the coding strand, the complement: RPGRIP1L is on the minus strand). VCF-style: chr16-53664957-T-C. GRCh37 (hg19) VCF-style: chr16-53698869-T-C.
Other names: p.Lys386Glu; c.1156A>G, p.Lys386Glu (NM_001127897.4, NM_001308334.3, NM_001330538.2); c.1156A>G (NM_015272.4); short protein forms K386E.
Identifiers: ClinVar variation 193717 (VCV000193717.53), dbSNP rs137982921, ClinGen allele CA239324.
Genomic context (GRCh38, chr16:53,664,957, plus strand): 5'-TTTCAGTTTTGTCTGTTAAGTCAGACTTCAAGGCAGTCTCGAGCTGAGCAATCTGCACTT[T>C]CAGCTGTTGCTCCTTTAACTTCCATTGCTCTTCATGGGCAGCACTGAAGGCACTGCAAAA-3'
Protein context (NP_056087.2, residues 376-396): EQWKLKEQQL[Lys386Glu]VQIAQLETAL